The following is an entry in ClinVar:

ClinVar aggregate classification (germline): Uncertain significance. Review status: criteria provided, multiple submitters, no conflicts (2 of 4 stars). 2 submissions from 2 submitters: Uncertain significance (2). Last evaluated 2025-12-03.

gnomAD v4.1: 1 of 1,609,036 alleles (0.000062%); highest among the groups gnomAD compares: Admixed American, 0.0017%; no homozygotes.

Submissions (2):

Labcorp Genetics (formerly Invitae), Labcorp
Classification: Uncertain significance. Last evaluated: 2025-12-03. Review status: criteria provided, single submitter. Criteria: Invitae Variant Classification Sherloc (09022015). Collection method: clinical testing. Allele origin: germline.
Comment: This sequence change replaces threonine, which is neutral and polar, with serine, which is neutral and polar, at codon 353 of the ATRIP protein (p.Thr353Ser). This variant is not present in population databases (gnomAD no frequency). This variant has not been reported in the literature in individuals affected with ATRIP-related conditions. ClinVar contains an entry for this variant (Variation ID: 3809050). An algorithm developed to predict the effect of missense changes on protein structure and function outputs the following: PolyPhen-2: "Benign". The serine amino acid residue is found in multiple mammalian species, which suggests that this missense change does not adversely affect protein function. Algorithms developed to predict the effect of sequence changes on RNA splicing suggest that this variant may create or strengthen a splice site. In summary, the available evidence is currently insufficient to determine the role of this variant in disease. Therefore, it has been classified as a Variant of Uncertain Significance.

Ambry Genetics
Classification: Uncertain significance. Last evaluated: 2024-12-15. Review status: criteria provided, single submitter. Criteria: Ambry Variant Classification Scheme 2023. Collection method: clinical testing. Allele origin: germline.
Comment: The p.T353S variant (also known as c.1058C>G), located in coding exon 8 of the ATRIP gene, results from a C to G substitution at nucleotide position 1058. The threonine at codon 353 is replaced by serine, an amino acid with similar properties. This amino acid position is conserved. In addition, this alteration is predicted to be tolerated by in silico analysis. Based on the available evidence, the clinical significance of this variant remains unclear.

NM_130384.3(ATRIP):c.1058C>G (p.Thr353Ser)

Genes: ATRIP (ATR interacting protein; plus strand), ATRIP-TREX1 (ATRIP-TREX1 readthrough; plus strand). Cytogenetic location: 3p21.31.
Variant type: single nucleotide variant.
Coding change: c.1058C>G on transcript NM_130384.3 (MANE Select); coding-DNA position 1058, C replaced by G.
Protein change: p.Thr353Ser; replaces threonine 353 with serine.
Molecular consequence: missense variant. On other transcripts: non-coding transcript variant (1).
Genome position (GRCh38, 1-based): chr3:48,460,112, C>G. VCF-style: chr3-48460112-C-G. GRCh37 (hg19) VCF-style: chr3-48501511-C-G.
Other names: c.677C>G, p.Thr226Ser (NM_001271022.2); c.779C>G, p.Thr260Ser (NM_001271023.2); c.1058C>G, p.Thr353Ser (NM_032166.4); short protein forms T260S, T226S, T353S.
Identifiers: ClinVar variation 3809050 (VCV003809050.2).